The following is an entry in ClinVar:

ClinVar aggregate classification (germline): Uncertain significance. Review status: criteria provided, multiple submitters, no conflicts (2 of 4 stars). 2 submissions from 2 submitters: Uncertain significance (2). Last evaluated 2024-06-23.

Conditions:
Hereditary cancer-predisposing syndrome. Also called: Tumor predisposition; Hereditary Cancer Syndrome; Neoplastic Syndromes, Hereditary; Hereditary neoplastic syndrome. Identifiers: Orphanet 140162, MedGen C0027672, MeSH D009386, MONDO:0015356.

Allele frequency attached by ClinVar (database versions not stated): gnomAD exomes below 0.00001.
gnomAD v4.1: 1 of 1,610,902 alleles (0.000062%); highest among the groups gnomAD compares: Non-Finnish European, 0.000085%; no homozygotes.

Submissions (2):

Ambry Genetics
Classification: Uncertain significance for Hereditary cancer-predisposing syndrome. Last evaluated: 2024-06-23. Review status: criteria provided, single submitter. Criteria: Ambry Variant Classification Scheme 2023. Collection method: clinical testing. Allele origin: germline.
Comment: The p.Y972C variant (also known as c.2915A>G), located in coding exon 18 of the RAD50 gene, results from an A to G substitution at nucleotide position 2915. The tyrosine at codon 972 is replaced by cysteine, an amino acid with highly dissimilar properties. This amino acid position is highly conserved in available vertebrate species. In addition, the in silico prediction for this alteration is inconclusive. Since supporting evidence is limited at this time, the clinical significance of this alteration remains unclear.

Labcorp Genetics (formerly Invitae), Labcorp
Classification: Uncertain significance for Hereditary cancer-predisposing syndrome. Last evaluated: 2021-03-02. Review status: criteria provided, single submitter. Criteria: Invitae Variant Classification Sherloc (09022015). Collection method: clinical testing. Allele origin: germline.
Comment: This variant is not present in population databases (ExAC no frequency). This sequence change replaces tyrosine with cysteine at codon 972 of the RAD50 protein (p.Tyr972Cys). The tyrosine residue is moderately conserved and there is a large physicochemical difference between tyrosine and cysteine. This variant has not been reported in the literature in individuals with RAD50-related conditions. ClinVar contains an entry for this variant (Variation ID: 821970). In summary, the available evidence is currently insufficient to determine the role of this variant in disease. Therefore, it has been classified as a Variant of Uncertain Significance. Algorithms developed to predict the effect of sequence changes on RNA splicing suggest that this variant may create or strengthen a splice site, but this prediction has not been confirmed by published transcriptional studies. Algorithms developed to predict the effect of missense changes on protein structure and function are either unavailable or do not agree on the potential impact of this missense change (SIFT: "Tolerated"; PolyPhen-2: "Possibly Damaging"; Align-GVGD: "Class C0").

NM_005732.4(RAD50):c.2915A>G (p.Tyr972Cys)

Gene: RAD50 (RAD50 double strand break repair protein; plus strand). Cytogenetic location: 5q31.1.
Variant type: single nucleotide variant.
Coding change: c.2915A>G on transcript NM_005732.4 (MANE Select); coding-DNA position 2915, A replaced by G.
Protein change: p.Tyr972Cys; replaces tyrosine 972 with cysteine.
Molecular consequence: missense variant.
Genome position (GRCh38, 1-based): chr5:132,609,202, A>G. VCF-style: chr5-132609202-A-G. GRCh37 (hg19) VCF-style: chr5-131944894-A-G.
Other names: short protein forms Y972C.
Identifiers: ClinVar variation 821970 (VCV000821970.13), dbSNP rs1581004729, ClinGen allele CA360960038.
Genomic context (GRCh38, chr5:132,609,202, plus strand): 5'-AAAATATTCATGGCTATATGAAAGACATTGAGAATTATATTCAAGATGGGAAAGACGACT[A>G]TAAGAAGGTAATTTAAAACTTAAAATTATTTATTTGATTGTATTTTTATTCATGTGCTTA-3'
Protein context (NP_005723.2, residues 962-982): ENYIQDGKDD[Tyr972Cys]KKQKETELNK